The following is an entry in ClinVar:

NM_007294.4(BRCA1):c.5147A>G (p.Tyr1716Cys)

Gene: BRCA1 (BRCA1 DNA repair associated; minus strand). Cytogenetic location: 17q21.31.
Variant type: single nucleotide variant.
Coding change: c.5147A>G on transcript NM_007294.4 (MANE Select); coding-DNA position 5147, A replaced by G.
Protein change: p.Tyr1716Cys; replaces tyrosine 1716 with cysteine.
Molecular consequence: missense variant. On other transcripts: non-coding transcript variant (1).
Genome position (GRCh38, 1-based): chr17:43,063,879, T>C on the plus strand (A>G on the coding strand, the complement: BRCA1 is on the minus strand). VCF-style: chr17-43063879-T-C. GRCh37 (hg19) VCF-style: chr17-41215896-T-C.
Other names: c.4934A>G, p.Tyr1645Cys (NM_001407571.1, NM_001407894.1, NM_001407895.1 and 12 more transcripts); c.5213A>G, p.Tyr1738Cys (NM_001407581.1, NM_001407582.1); c.5210A>G, p.Tyr1737Cys (NM_001407583.1, NM_001407585.1, NM_001407587.1 and 1 more transcripts); c.5207A>G, p.Tyr1736Cys (NM_001407590.1, NM_001407591.1); c.5147A>G, p.Tyr1716Cys (NM_001407593.1, NM_001407594.1, NM_001407596.1 and 7 more transcripts); c.5144A>G, p.Tyr1715Cys (NM_001407619.1, NM_001407620.1, NM_001407621.1 and 17 more transcripts); c.5141A>G, p.Tyr1714Cys (NM_001407627.1, NM_001407638.1, NM_001407639.1 and 14 more transcripts); c.5138A>G, p.Tyr1713Cys (NM_001407644.1, NM_001407645.1); and 71 more; short protein forms Y1716C, Y1669C, Y1737C, Y612C, Y1587C, Y1588C, Y1589C, Y1605C.
Identifiers: ClinVar variation 142424 (VCV000142424.24), dbSNP rs587782456, ClinGen allele CA003271.

ClinVar aggregate classification (germline): Conflicting classifications of pathogenicity. Review status: criteria provided, conflicting classifications (1 of 4 stars). 4 submissions from 4 submitters: Uncertain significance (3); Likely benign (1). Last evaluated 2026-01-20.

Conditions:
Hereditary cancer-predisposing syndrome. Also called: Tumor predisposition; Hereditary neoplastic syndrome; Hereditary Cancer Syndrome; Neoplastic Syndromes, Hereditary. Identifiers: Orphanet 140162, MedGen C0027672, MeSH D009386, MONDO:0015356.
Hereditary breast ovarian cancer syndrome. Also called: Hereditary breast and/or ovarian cancer syndrome; Breast and ovarian cancer; Hereditary breast and ovarian cancer syndrome; Hereditary breast and ovarian cancer; Hereditary breast and ovarian cancer syndrome (HBOC); BRCA1- and BRCA2-Associated Hereditary Breast and Ovarian Cancer. Identifiers: Orphanet 145, MedGen C0677776, MeSH D061325, MONDO:0003582. Disease mechanism: loss of function.

Allele frequency attached by ClinVar (database versions not stated): gnomAD exomes below 0.00001.
gnomAD v4.1: 2 of 1,612,778 alleles (0.00012%); highest among the groups gnomAD compares: South Asian, 0.0011%; no homozygotes.

Submissions (5):

Labcorp Genetics (formerly Invitae), Labcorp
Classification: Uncertain significance for Hereditary breast ovarian cancer syndrome. Last evaluated: 2026-01-20. Review status: criteria provided, single submitter. Criteria: Invitae Variant Classification Sherloc (09022015). Collection method: clinical testing. Allele origin: germline.
Comment: This sequence change replaces tyrosine, which is neutral and polar, with cysteine, which is neutral and slightly polar, at codon 1716 of the BRCA1 protein (p.Tyr1716Cys). This variant is not present in population databases (gnomAD no frequency). This variant has not been reported in the literature in individuals affected with BRCA1-related conditions. ClinVar contains an entry for this variant (Variation ID: 142424). Invitae Evidence Modeling incorporating data from in vitro experimental studies (PMID: 30209399) indicates that this missense variant is not expected to disrupt BRCA1 function with a negative predictive value of 95%. Experimental studies have shown that this missense change does not substantially affect BRCA1 function (PMID: 30209399). In summary, the available evidence is currently insufficient to determine the role of this variant in disease. Therefore, it has been classified as a Variant of Uncertain Significance.

Color Diagnostics, LLC DBA Color Health
Classification: Uncertain significance for Hereditary cancer-predisposing syndrome. Last evaluated: 2024-04-09. Review status: criteria provided, single submitter. Criteria: ACMG Guidelines, 2015. Collection method: clinical testing. Allele origin: germline.
Comment: This missense variant replaces tyrosine with cysteine at codon 1716 of the BRCA1 protein. Computational prediction suggests that this variant may have deleterious impact on protein structure and function. A functional study has reported that this variant does not impact BRCA1 function in a haploid cell proliferation assay (PMID: 30209399). This variant has been reported in at least one individual who underwent clinical BRCA1 screening (PMID: 16267036). This variant has not been identified in the general population by the Genome Aggregation Database (gnomAD). The available evidence is insufficient to determine the role of this variant in disease conclusively. Therefore, this variant is classified as a Variant of Uncertain Significance.

GeneDx
Classification: Uncertain significance. Last evaluated: 2023-04-24. Review status: criteria provided, single submitter. Criteria: GeneDx Variant Classification Process June 2021. Collection method: clinical testing. Allele origin: germline. Affected: yes.
Comment: Observed in individuals referred for BRCA1 testing (Judkins et al., 2005); Not observed at significant frequency in large population cohorts (gnomAD); In silico analysis supports that this missense variant has a deleterious effect on protein structure/function; Also known as 5266A>G; This variant is associated with the following publications: (PMID: 32257056, 25348405, 16267036, 30209399, 29884841, 32377563, 33237286)

Ambry Genetics
Classification: Likely benign for Hereditary cancer-predisposing syndrome. Last evaluated: 2021-11-15. Review status: criteria provided, single submitter. Criteria: Ambry Variant Classification Scheme 2023. Collection method: clinical testing. Allele origin: germline.

Brotman Baty Institute, University of Washington
No classification provided (evidence only). Condition: Breast-ovarian cancer, familial 1. Review status: no classification provided. Collection method: in vitro. Allele origin: not applicable. Functional consequence: functionally_normal. Not counted in ClinVar's aggregate classification.
ClinVar note: "not provided" was previously submitted as the classification for the variant. However, the classification appeared to be based only on an observation of functional data so it was converted to no classification on 2025-07-30.

Literature cited by the submitters: PubMed 30209399 (cited by 3 submitters); PubMed 16267036 (cited by Color Diagnostics, LLC DBA Color Health).